The following is an entry in ClinVar:

ClinVar aggregate classification (germline): Pathogenic/Likely pathogenic. Review status: criteria provided, multiple submitters, no conflicts (2 of 4 stars). 4 submissions from 4 submitters: Pathogenic (1); Likely pathogenic (3). Last evaluated 2024-04-23.

Conditions:
Mitochondrial DNA depletion syndrome 4b. Also called: Mitochondrial Neurogastrointestinal Encephalopathy Disease, POLG-Related; MNGIE, POLG-RELATED. Identifiers: Orphanet 298, MedGen C3150914, MONDO:0013350, OMIM 613662.
Progressive external ophthalmoplegia with mitochondrial DNA deletions, autosomal dominant 1 (PEOA1). Also called: Autosomal Dominant Progressive External Ophthalmoplegia (adPEO); PROGRESSIVE EXTERNAL OPHTHALMOPLEGIA, AUTOSOMAL DOMINANT 1. Identifiers: MedGen C1834846, MONDO:0024528, OMIM 157640.
Sensory ataxic neuropathy, dysarthria, and ophthalmoparesis (SANDO). Also called: Epilepsy, progressive myoclonic, type 5; Sensory ataxic neuropathy-dysarthria-ophthalmoparesis syndrome; SENSORY ATAXIC NEUROPATHY WITH MITOCHONDRIAL DNA DELETIONS, AUTOSOMAL RECESSIVE; Ataxia Neuropathy Spectrum (ANS). Identifiers: Orphanet 70595, MedGen C1843851, MONDO:0011835, OMIM 607459.
Progressive sclerosing poliodystrophy (MTDPS4A). Also called: Mitochondrial DNA Depletion Syndrome 4A; ALPERS PROGRESSIVE INFANTILE POLIODYSTROPHY; NEURONAL DEGENERATION OF CHILDHOOD WITH LIVER DISEASE, PROGRESSIVE; Mitochondrial DNA depletion syndrome 4A (Alpers type); Alpers-Huttenlocher Syndrome (AHS); Alpers Syndrome. Identifiers: Orphanet 726, MedGen C0205710, MONDO:0008758, OMIM 203700.
Progressive external ophthalmoplegia with mitochondrial DNA deletions, autosomal recessive 1 (PEOB1). Also called: Autosomal Recessive Progressive External Ophthalmoplegia (arPEO); Progressive external ophthalmoplegia, autosomal recessive 1. Identifiers: Orphanet 254886, MedGen C4225153, MONDO:0009783, OMIM 258450.

gnomAD v4.1: 2 of 1,609,966 alleles (0.00012%); highest among the groups gnomAD compares: Non-Finnish European, 0.00017%; no homozygotes.

Submissions (4):

Fulgent Genetics
Classification: Likely pathogenic for Progressive external ophthalmoplegia with mitochondrial DNA deletions, autosomal dominant 1; Progressive sclerosing poliodystrophy; Progressive external ophthalmoplegia with mitochondrial DNA deletions, autosomal recessive 1; Sensory ataxic neuropathy, dysarthria, and ophthalmoparesis; Mitochondrial DNA depletion syndrome 4b. Last evaluated: 2024-04-23. Review status: criteria provided, single submitter. Criteria: ACMG Guidelines, 2015. Collection method: clinical testing. Allele origin: germline.

Baylor Genetics
Classification: Likely pathogenic for Progressive sclerosing poliodystrophy. Last evaluated: 2024-03-06. Review status: criteria provided, single submitter. Criteria: ACMG Guidelines, 2015. Collection method: clinical testing. Allele origin: unknown.

Labcorp Genetics (formerly Invitae), Labcorp
Classification: Pathogenic for Progressive sclerosing poliodystrophy. Last evaluated: 2023-08-18. Review status: criteria provided, single submitter. Criteria: Invitae Variant Classification Sherloc (09022015). Collection method: clinical testing. Allele origin: germline.
Comment: For these reasons, this variant has been classified as Pathogenic. ClinVar contains an entry for this variant (Variation ID: 1961036). This variant has not been reported in the literature in individuals affected with POLG-related conditions. This variant is not present in population databases (gnomAD no frequency). This sequence change creates a premature translational stop signal (p.Gln60*) in the POLG gene. It is expected to result in an absent or disrupted protein product. Loss-of-function variants in POLG are known to be pathogenic (PMID: 18546365).

Athena Diagnostics
Classification: Likely pathogenic. Last evaluated: 2023-04-24. Review status: criteria provided, single submitter. Criteria: Athena Diagnostics Criteria. Collection method: clinical testing. Allele origin: unknown.
Comment: This variant is expected to result in the loss of a functional protein. This variant has not been reported in large, multi-ethnic general populations.

Literature cited by the submitters: PubMed 18546365 (cited by Labcorp Genetics (formerly Invitae), Labcorp).

NM_002693.3(POLG):c.178C>T (p.Gln60Ter)

Genes: POLG (DNA polymerase gamma, catalytic subunit; minus strand), POLGARF (POLG alternative reading frame; minus strand). Cytogenetic location: 15q26.1.
Variant type: single nucleotide variant.
Coding change: c.178C>T on transcript NM_002693.3 (MANE Select); coding-DNA position 178, C replaced by T.
Protein change: p.Gln60Ter; replaces glutamine 60 with a stop codon.
Molecular consequence: nonsense.
Genome position (GRCh38, 1-based): chr15:89,333,577, G>A on the plus strand (C>T on the coding strand, the complement: POLG is on the minus strand). VCF-style: chr15-89333577-G-A. GRCh37 (hg19) VCF-style: chr15-89876808-G-A.
Other names: c.178C>T, p.Gln60Ter (NM_001126131.2); short protein forms Q60*.
Identifiers: ClinVar variation 1961036 (VCV001961036.8), dbSNP rs780379693, ClinGen allele CA393773862.
Genomic context (GRCh38, chr15:89,333,577, plus strand): 5'-AGAGCATCTGGATGTCCAATGGGTTGTGCCGCAGCTGCCCGCCCTCCGAGGATAGCACTT[G>A]CGGCTGCTGAGGCTGCTGTTGCTGCTGCTGCTGCTGCTGCTGCTGCTGCTGCCGCCGCCG-3'